The following is an entry in ClinVar:

ClinVar aggregate classification (germline): Uncertain significance (1 of 4 stars; one submission).

Conditions:
Dyskeratosis congenita, autosomal dominant 1 (DKCA1). Also called: Dyskeratosis congenita Scoggins type. Identifiers: Orphanet 1775, MedGen C4551974, MONDO:0007485, OMIM 127550. Inheritance: Variable.

Submission:

Labcorp Genetics (formerly Invitae), Labcorp
Classification: Uncertain significance for Dyskeratosis congenita, autosomal dominant 1. Last evaluated: 2025-11-03. Review status: criteria provided, single submitter. Criteria: Invitae Variant Classification Sherloc (09022015). Collection method: clinical testing. Allele origin: germline.
Comment: This variant occurs in the TERC gene, which encodes an RNA molecule that does not result in a protein product. This variant is not present in population databases (gnomAD no frequency). This variant has not been reported in the literature in individuals affected with TERC-related conditions. ClinVar contains an entry for this variant (Variation ID: 2420879). This variant is located within the conserved regions 4 and 5 (CR4-CR5) domain of the TERC RNA component, which is required for telomerase activity (PMID: 15082312, 21844345). In summary, the available evidence is currently insufficient to determine the role of this variant in disease. Therefore, it has been classified as a Variant of Uncertain Significance.

Literature cited by the submitters: PubMed 15082312; PubMed 21844345.

NC_000003.12:g.169764817G>C

Genes: TERC (telomerase RNA component; minus strand), LOC110806306 (telomerase RNA component (TERC) promoter; plus strand). Cytogenetic location: 3q26.2.
Variant type: single nucleotide variant.
Genome position: GRCh38 VCF-style: chr3-169764817-G-C. GRCh37 (hg19) VCF-style: chr3-169482605-G-C.
Identifiers: ClinVar variation 2420879 (VCV002420879.7), dbSNP rs1304541099, ClinGen allele CA436715298.